The following is an entry in ClinVar:

ClinVar aggregate classification (germline): Uncertain significance. Review status: criteria provided, multiple submitters, no conflicts (2 of 4 stars). 2 submissions from 2 submitters: Uncertain significance (2). Last evaluated 2025-02-04.

Conditions:
Hereditary cancer-predisposing syndrome. Also called: Hereditary neoplastic syndrome; Neoplastic Syndromes, Hereditary; Tumor predisposition; Hereditary Cancer Syndrome. Identifiers: Orphanet 140162, MedGen C0027672, MeSH D009386, MONDO:0015356.
Familial thoracic aortic aneurysm and aortic dissection (TAAD). Also called: Thoracic aortic aneurysms and dissections. Identifiers: Orphanet 91387, MedGen C4707243, MONDO:0019625.
Juvenile polyposis syndrome (JPS). Identifiers: Orphanet 2929, MedGen C0345893, MONDO:0017380, OMIM 174900.

Allele frequency attached by ClinVar (database versions not stated): TOPMed below 0.00001.

Submissions (2):

Ambry Genetics
Classification: Uncertain significance for Hereditary cancer-predisposing syndrome; Familial thoracic aortic aneurysm and aortic dissection. Last evaluated: 2025-02-04. Review status: criteria provided, single submitter. Criteria: Ambry Variant Classification Scheme 2023. Collection method: clinical testing. Allele origin: germline.
Comment: The p.K385R variant (also known as c.1154A>G), located in coding exon 9 of the SMAD4 gene, results from an A to G substitution at nucleotide position 1154. The lysine at codon 385 is replaced by arginine, an amino acid with highly similar properties. This amino acid position is highly conserved in available vertebrate species. In addition, this alteration is predicted to be deleterious by in silico analysis. Based on the available evidence, the clinical significance of this variant remains unclear.

Labcorp Genetics (formerly Invitae), Labcorp
Classification: Uncertain significance for Juvenile polyposis syndrome. Last evaluated: 2021-03-13. Review status: criteria provided, single submitter. Criteria: Invitae Variant Classification Sherloc (09022015). Collection method: clinical testing. Allele origin: germline.
Comment: This sequence change replaces lysine with arginine at codon 385 of the SMAD4 protein (p.Lys385Arg). The lysine residue is highly conserved and there is a small physicochemical difference between lysine and arginine. Experimental studies are conflicting or provide insufficient evidence to determine the effect of this variant on SMAD4 protein function (PMID: 28827661). This variant has not been reported in the literature in individuals with SMAD4-related conditions. This variant is not present in population databases (ExAC no frequency). In summary, the available evidence is currently insufficient to determine the role of this variant in disease. Therefore, it has been classified as a Variant of Uncertain Significance.

Literature cited by the submitters: PubMed 28827661 (cited by Labcorp Genetics (formerly Invitae), Labcorp).

NM_005359.6(SMAD4):c.1154A>G (p.Lys385Arg)

Gene: SMAD4 (SMAD family member 4; plus strand). Cytogenetic location: 18q21.2.
Variant type: single nucleotide variant.
Coding change: c.1154A>G on transcript NM_005359.6 (MANE Select); coding-DNA position 1154, A replaced by G.
Protein change: p.Lys385Arg; replaces lysine 385 with arginine.
Molecular consequence: missense variant.
Genome position (GRCh38, 1-based): chr18:51,067,033, A>G. VCF-style: chr18-51067033-A-G. GRCh37 (hg19) VCF-style: chr18-48593403-A-G.
Other names: c.1154A>G (NM_005359.5); short protein forms K385R.
Identifiers: ClinVar variation 1008410 (VCV001008410.9), dbSNP rs923348055, ClinGen allele CA300091907.